The following is an entry in ClinVar:

NM_177438.3(DICER1):c.2153del (p.Glu718fs)

Gene: DICER1 (dicer 1, ribonuclease III; minus strand). Cytogenetic location: 14q32.13.
Variant type: Deletion.
Coding change: c.2153del on transcript NM_177438.3 (MANE Select); coding-DNA position 2153, one base deleted (A; older notation c.2153delA).
Protein change: p.Glu718fs; shifts the reading frame from glutamic acid 718.
Molecular consequence: frameshift variant.
Genome position (GRCh38, 1-based): chr14:95,111,420, T deleted on the plus strand (A on the coding strand, the reverse complement: DICER1 is on the minus strand). VCF-style (leftmost placement, unchanged base first): chr14-95111419-CT-C. GRCh37 (hg19) VCF-style: chr14-95577756-CT-C.
Other names: c.2153del, p.Glu718fs (NM_001195573.1, NM_001271282.3, NM_001291628.2 and 1 more transcripts); short protein forms E718fs.
Identifiers: ClinVar variation 1392429 (VCV001392429.7), dbSNP rs2140068325, ClinGen allele CA2573150488.

ClinVar aggregate classification (germline): Pathogenic (1 of 4 stars; one submission).

Conditions:
DICER1-related tumor predisposition. Also called: DICER1 syndrome; DICER1-related pleuropulmonary blastoma cancer predisposition syndrome. Identifiers: Orphanet 284343, MedGen C3839822, MONDO:0100216.

Submission:

Labcorp Genetics (formerly Invitae), Labcorp
Classification: Pathogenic for DICER1-related tumor predisposition. Last evaluated: 2021-05-19. Review status: criteria provided, single submitter. Criteria: Invitae Variant Classification Sherloc (09022015). Collection method: clinical testing. Allele origin: germline.
Comment: For these reasons, this variant has been classified as Pathogenic. This variant has not been reported in the literature in individuals with DICER1-related conditions. This variant is not present in population databases (ExAC no frequency). This sequence change creates a premature translational stop signal (p.Glu718Glyfs*40) in the DICER1 gene. It is expected to result in an absent or disrupted protein product. Loss-of-function variants in DICER1 are known to be pathogenic (PMID: 19556464, 21266384).

Literature cited by the submitters: PubMed 19556464; PubMed 21266384.